The following is an entry in ClinVar:

ClinVar aggregate classification (germline): Uncertain significance. Review status: criteria provided, multiple submitters, no conflicts (2 of 4 stars). 4 submissions from 4 submitters: Uncertain significance (4). Last evaluated 2025-04-01.

Conditions:
Inborn genetic diseases. Identifiers: MedGen C0950123, MeSH D030342.
Congenital microvillous atrophy (DIAR2). Also called: MICROVILLUS ATROPHY, CONGENITAL; Diarrhea 2 with microvillus atrophy, with or without cholestasis; Microvillus inclusion disease; CONGENITAL FAMILIAL PROTRACTED DIARRHEA WITH ENTEROCYTE BRUSH-BORDER ABNORMALITIES; DAVIDSON DISEASE. Identifiers: Orphanet 2290, MedGen C0341306, MONDO:0009635, OMIM 251850.

Allele frequency attached by ClinVar (database versions not stated): TOPMed 0.00002; ESP Exome Variant Server 0.00008; 1000 Genomes Project 30x 0.00016; 1000 Genomes Project 0.00020.
gnomAD v4.1: 39 of 1,613,334 alleles (0.0024%); highest among the groups gnomAD compares: Non-Finnish European, 0.0033%; no homozygotes.

Submissions (4):

Ambry Genetics
Classification: Uncertain significance for Inborn genetic diseases. Last evaluated: 2025-04-01. Review status: criteria provided, single submitter. Criteria: Ambry Variant Classification Scheme 2023. Collection method: clinical testing. Allele origin: germline.

Labcorp Genetics (formerly Invitae), Labcorp
Classification: Uncertain significance. Last evaluated: 2022-07-12. Review status: criteria provided, single submitter. Criteria: Invitae Variant Classification Sherloc (09022015). Collection method: clinical testing. Allele origin: germline.
Comment: This sequence change replaces arginine, which is basic and polar, with proline, which is neutral and non-polar, at codon 1804 of the MYO5B protein (p.Arg1804Pro). The frequency data for this variant in the population databases is considered unreliable, as metrics indicate poor data quality at this position in the gnomAD database. This variant has not been reported in the literature in individuals affected with MYO5B-related conditions. ClinVar contains an entry for this variant (Variation ID: 624110). Algorithms developed to predict the effect of missense changes on protein structure and function are either unavailable or do not agree on the potential impact of this missense change (SIFT: "Deleterious"; PolyPhen-2: "Probably Damaging"; Align-GVGD: "Class C0"). In summary, the available evidence is currently insufficient to determine the role of this variant in disease. Therefore, it has been classified as a Variant of Uncertain Significance.

CeGaT Center for Human Genetics Tuebingen
Classification: Uncertain significance. Last evaluated: 2018-09-01. Review status: criteria provided, single submitter. Criteria: CeGaT Center For Human Genetics Tuebingen Variant Classification Criteria Version 2. Collection method: clinical testing. Allele origin: germline. Affected: yes. Observed: 1 variant allele.

Illumina Laboratory Services, Illumina
Classification: Uncertain significance for Congenital microvillous atrophy. Last evaluated: 2018-01-13. Review status: criteria provided, single submitter. Criteria: ICSL Variant Classification Criteria 13 December 2019. Collection method: clinical testing. Allele origin: germline.

NM_001080467.3(MYO5B):c.5411G>C (p.Arg1804Pro)

Genes: MYO5B (myosin VB; minus strand), SNHG22 (small nucleolar RNA host gene 22; plus strand). Cytogenetic location: 18q21.1.
Variant type: single nucleotide variant.
Coding change: c.5411G>C on transcript NM_001080467.3 (MANE Select); coding-DNA position 5411, G replaced by C.
Protein change: p.Arg1804Pro; replaces arginine 1804 with proline.
Molecular consequence: missense variant.
Genome position (GRCh38, 1-based): chr18:49,826,607, C>G on the plus strand (G>C on the coding strand, the complement: MYO5B is on the minus strand). VCF-style: chr18-49826607-C-G. GRCh37 (hg19) VCF-style: chr18-47352977-C-G.
Other names: short protein forms R1804P.
Identifiers: ClinVar variation 624110 (VCV000624110.50), dbSNP rs201080553, ClinGen allele CA8960038.